The following is an entry in ClinVar:

NC_000009.11:g.(?_433855)_(446626_?)dup

Gene: DOCK8 (dedicator of cytokinesis 8; plus strand). Cytogenetic location: 9p24.3.
Variant type: Duplication.
Identifiers: ClinVar variation 3245227 (VCV003245227.1).

ClinVar aggregate classification (germline): Uncertain significance (1 of 4 stars; one submission).

Submission:

Labcorp Genetics (formerly Invitae), Labcorp
Classification: Uncertain significance. Last evaluated: 2023-06-20. Review status: criteria provided, single submitter. Criteria: Invitae Variant Classification Sherloc (09022015). Collection method: clinical testing. Allele origin: unknown.
Comment: In summary, the available evidence is currently insufficient to determine the role of this variant in disease. Therefore, it has been classified as a Variant of Uncertain Significance. Experimental studies and prediction algorithms are not available or were not evaluated, and the functional significance of this variant is currently unknown. This variant has not been reported in the literature in individuals affected with DOCK8-related conditions. This variant results in a copy number gain of the genomic region encompassing exon(s) 38-44 of the DOCK8 gene. While the exact position of this variant cannot be determined from the data, sub-genic copy number gains are generally in tandem (PMID: 25640679). This variant is predicted to be in-frame, and likely preserves the integrity of the reading frame.

Literature cited by the submitters: PubMed 25640679.